The following is an entry in ClinVar:

ClinVar aggregate classification (germline): Uncertain significance (0 of 4 stars; one submission).

Conditions:
Biotin-responsive basal ganglia disease (BTBGD). Also called: Thiamine metabolism dysfunction syndrome 2 (biotin- or thiamine-responsive encephalopathy type 2); Thiamine metabolism dysfunction syndrome type 2; Thiamine Transporter-2 Deficiency; thiamine-responsive encephalopathy; THIAMINE METABOLISM DYSFUNCTION SYNDROME 2 (BIOTIN- AND THIAMINE-RESPONSIVE TYPE). Identifiers: Orphanet 199348, Orphanet 65284, MedGen C1843807, MONDO:0011841, OMIM 607483.

Submission:

Hong-Tao Li Lab, Institute of Brain Science and Brain-inspired Research, Shandong First Medical University & Shandong Academy of Medical Sciences China
Classification: Uncertain significance for Biotin-responsive basal ganglia disease. Review status: no assertion criteria provided. Collection method: research. Allele origin: germline. Inheritance: Autosomal recessive inheritance. Affected: yes. Observed: 1 variant allele, 1 homozygote.
Comment: Observed in affected individuals from a Pakistani neurodevelopmental-disorder research cohort of 263 individuals. Classification assigned using the ACMG/AMP framework.

NM_025243.4(SLC19A3):c.118T>C (p.Ser40Pro)

Gene: SLC19A3 (solute carrier family 19 member 3; minus strand). Cytogenetic location: 2q36.3.
Variant type: single nucleotide variant.
Coding change: c.118T>C on transcript NM_025243.4 (MANE Select); coding-DNA position 118, T replaced by C.
Protein change: p.Ser40Pro; replaces serine 40 with proline.
Molecular consequence: missense variant. On other transcripts: 5 prime UTR variant (2).
Genome position (GRCh38, 1-based): chr2:227,702,201, A>G on the plus strand (T>C on the coding strand, the complement: SLC19A3 is on the minus strand). VCF-style: chr2-227702201-A-G. GRCh37 (hg19) VCF-style: chr2-228566917-A-G.
Other names: c.118T>C, p.Ser40Pro (NM_001371411.1, NM_001371412.1); c.-91T>C (NM_001371413.1, NM_001371414.1); short protein forms S40P.
Identifiers: ClinVar variation 4884850 (VCV004884850.1).
Genomic context (GRCh38, chr2:227,702,201, plus strand): 5'-ATTAAGATATGTATGTATGTTAACTTACCTCTGCACTGGTCAGGTTTTTATCTGGTCCAG[A>G]TAAATATGGGATAAGGAATGGTTCTGAGGGTCTCATCATGGAGAAAAAACCAAATAAGCA-3'
Protein context (NP_079519.1, residues 30-50): PSEPFLIPYL[Ser40Pro]GPDKNLTSAE